The following is an entry in ClinVar:

ClinVar aggregate classification (germline): Uncertain significance (1 of 4 stars; one submission).

Conditions:
Inborn genetic diseases. Identifiers: MedGen C0950123, MeSH D030342.

Submission:

Ambry Genetics
Classification: Uncertain significance for Inborn genetic diseases. Last evaluated: 2025-06-06. Review status: criteria provided, single submitter. Criteria: Ambry Variant Classification Scheme 2023. Collection method: clinical testing. Allele origin: germline.
Comment: The p.P249H variant (also known as c.746C>A), located in coding exon 2 of the WT1 gene, results from a C to A substitution at nucleotide position 746. The proline at codon 249 is replaced by histidine, an amino acid with similar properties. This amino acid position is conserved. In addition, the in silico prediction for this alteration is inconclusive. Based on the available evidence, the clinical significance of this variant remains unclear.

NM_024426.6(WT1):c.761C>A (p.Pro254His)

Gene: WT1 (WT1 transcription factor; minus strand). Cytogenetic location: 11p13.
Variant type: single nucleotide variant.
Coding change: c.761C>A on transcript NM_024426.6 (MANE Select); coding-DNA position 761, C replaced by A.
Protein change: p.Pro254His; replaces proline 254 with histidine.
Molecular consequence: missense variant. On other transcripts: 5 prime UTR variant (1), non-coding transcript variant (2), intron variant (2).
Genome position (GRCh38, 1-based): chr11:32,428,520, G>T on the plus strand (C>A on the coding strand, the complement: WT1 is on the minus strand). VCF-style: chr11-32428520-G-T. GRCh37 (hg19) VCF-style: chr11-32450066-G-T.
Other names: c.761C>A, p.Pro254His (NM_000378.6, NM_001407044.1, NM_001407045.1 and 4 more transcripts); c.110C>A, p.Pro37His (NM_001198551.2, NM_001198552.2); c.-2C>A (NM_001407051.1); c.542C>A, p.Pro181His (NM_001429031.1, NM_001429032.1, NM_001429033.1 and 1 more transcripts); c.662-462C>A (NM_001407050.1, NM_001407047.1); short protein forms P254H, P181H, P249H, P37H.
Identifiers: ClinVar variation 3982483 (VCV003982483.1).